The following is an entry in ClinVar:

NM_001394372.1(BICRA):c.4369dup (p.Gln1457fs)

Gene: BICRA (BRD4 interacting chromatin remodeling complex associated protein; plus strand). Cytogenetic location: 19q13.33.
Variant type: Duplication.
Coding change: c.4369dup on transcript NM_001394372.1 (MANE Select); coding-DNA position 4369, one base duplicated (C; older notation c.4369dupC).
Protein change: p.Gln1457fs; shifts the reading frame from glutamine 1457.
Molecular consequence: frameshift variant.
Genome position (GRCh38, 1-based): chr19:47,702,101, C duplicated; the last of 3 consecutive C bases (chr19:47,702,099-47,702,101); duplicating any one gives the same sequence. VCF-style (leftmost placement, unchanged base first): chr19-47702098-G-GC. GRCh37 (hg19) VCF-style: chr19-48205355-G-GC.
Other names: c.4369dup, p.Gln1457fs (NM_015711.3); short protein forms Q1457fs.
Identifiers: ClinVar variation 4082093 (VCV004082093.1).

ClinVar aggregate classification (germline): Uncertain significance (1 of 4 stars; one submission).

Conditions:
Coffin-Siris syndrome 12. Identifiers: MedGen C5444111, MONDO:0025699, OMIM 619325.

Submission:

Institute of Human Genetics, University of Goettingen
Classification: Uncertain significance for Coffin-Siris syndrome 12. Last evaluated: 2025-02-25. Review status: criteria provided, single submitter. Criteria: ACMG Guidelines, 2015. Collection method: clinical testing. Allele origin: de novo. Inheritance: Autosomal dominant inheritance. Affected: yes. Observed: 1 heterozygote.
Comment: The variant c.4369dup (p.(Gln1457Profs*39)) in exon 15 of the BICRA gene is not found in the gnomAD database. The variation generates a 'Frameshift' as coding effect. The frameshift starts at codon Gln1457. The new reading frame ends in a STOP codon at position 39. ACMG criteria used for classification: PVS1_mod, PM2_sup, PM6_sup